The following is an entry in ClinVar:

ClinVar aggregate classification (germline): Pathogenic (1 of 4 stars; one submission).

Conditions:
VPS13A-related neurodegenerative disease. Also called: ACANTHOCYTOSIS WITH NEUROLOGIC DISORDER; LEVINE-CRITCHLEY SYNDROME; Choreoacanthocytosis; Chorea-acanthocytosis; Choreaacanthocytosis; VPS13A Disease. Identifiers: Orphanet 2388, MedGen C0393576, MONDO:0008695, OMIM 200150.

Submission:

Myriad Genetics, Inc.
Classification: Pathogenic for VPS13A-related neurodegenerative disease. Last evaluated: 2024-09-13. Review status: criteria provided, single submitter. Criteria: Myriad Autosomal Dominant, Autosomal Recessive and X-Linked Classification Criteria (2023). Collection method: clinical testing. Allele origin: unknown.
Comment: NM_033305.2(VPS13A):c.5836_5837dupGT(N1947Lfs*11) is expected to be pathogenic in the context of VPS13A disease. This variant is predicted to lead to an abnormal or absent protein product due to the creation of a premature termination codon in VPS13A, a gene where loss-of-function variants are known to be pathogenic. Please note: this variant was assessed in the context of healthy population screening.

NM_033305.3(VPS13A):c.5836_5837dup (p.Asn1947fs)

Gene: VPS13A (vacuolar protein sorting 13 homolog A; plus strand). Cytogenetic location: 9q21.2.
Variant type: Duplication.
Coding change: c.5836_5837dup on transcript NM_033305.3 (MANE Select); coding-DNA positions 5836 to 5837, 2 bases duplicated (GT; older notation c.5836_5837dupGT).
Protein change: p.Asn1947fs; shifts the reading frame from asparagine 1947.
Molecular consequence: frameshift variant.
Genome position (GRCh38, 1-based): chr9:77,323,072-77,323,073, GT duplicated; duplicating any 2 consecutive bases within chr9:77,323,071-77,323,073 gives the same sequence; the c. name uses the placement nearest the transcript's 3' end. VCF-style (leftmost placement, unchanged base first): chr9-77323070-C-CTG. GRCh37 (hg19) VCF-style: chr9-79937986-C-CTG.
Other names: c.5719_5720dup, p.Asn1908fs (NM_001018037.2); c.5836_5837dup, p.Asn1947fs (NM_001018038.3, NM_015186.4); short protein forms N1908fs, N1947fs.
Identifiers: ClinVar variation 5013550 (VCV005013550.1).